The following is an entry in ClinVar:

NM_000430.4(PAFAH1B1):c.154G>T (p.Glu52Ter)

Gene: PAFAH1B1 (platelet activating factor acetylhydrolase 1b regulatory subunit 1; plus strand). Cytogenetic location: 17p13.3.
Variant type: single nucleotide variant.
Coding change: c.154G>T on transcript NM_000430.4 (MANE Select); coding-DNA position 154, G replaced by T.
Protein change: p.Glu52Ter; replaces glutamic acid 52 with a stop codon.
Molecular consequence: nonsense.
Genome position (GRCh38, 1-based): chr17:2,666,052, G>T. VCF-style: chr17-2666052-G-T. GRCh37 (hg19) VCF-style: chr17-2569346-G-T.
Other names: short protein forms E52*.
Identifiers: ClinVar variation 3637967 (VCV003637967.2).
Genomic context (GRCh38, chr17:2,666,052, plus strand): 5'-AAATTCTAAATTTATTTTCTCTAGAATGAAGAATTAGATAAAAAGTATGCTGGTCTTTTG[G>T]AAAAAAAATGGACATCTGTTATTAGATTACAAAAGAAGGTAACTAAGTCTTTTTTCTTTA-3'

ClinVar aggregate classification (germline): Pathogenic (1 of 4 stars; one submission).

Submission:

Labcorp Genetics (formerly Invitae), Labcorp
Classification: Pathogenic. Last evaluated: 2024-02-01. Review status: criteria provided, single submitter. Criteria: Invitae Variant Classification Sherloc (09022015). Collection method: clinical testing. Allele origin: germline.
Comment: This sequence change creates a premature translational stop signal (p.Glu52*) in the PAFAH1B1 gene. It is expected to result in an absent or disrupted protein product. Loss-of-function variants in PAFAH1B1 are known to be pathogenic (PMID: 1671808, 11115846, 14581661). This variant is not present in population databases (gnomAD no frequency). This variant has not been reported in the literature in individuals affected with PAFAH1B1-related conditions. Algorithms developed to predict the effect of sequence changes on RNA splicing suggest that this variant may disrupt the consensus splice site. For these reasons, this variant has been classified as Pathogenic.

Literature cited by the submitters: PubMed 1671808; PubMed 11115846; PubMed 14581661.